The following is an entry in ClinVar:

NC_000008.10:g.(?_87588032)_(87623919_?)del

Gene: CNGB3 (cyclic nucleotide gated channel subunit beta 3; minus strand). Cytogenetic location: 8q21.3.
Variant type: Deletion.
Identifiers: ClinVar variation 3245586 (VCV003245586.1).

ClinVar aggregate classification (germline): Pathogenic (1 of 4 stars; one submission).

Submission:

Labcorp Genetics (formerly Invitae), Labcorp
Classification: Pathogenic. Last evaluated: 2023-05-08. Review status: criteria provided, single submitter. Criteria: Invitae Variant Classification Sherloc (09022015). Collection method: clinical testing. Allele origin: unknown.
Comment: For these reasons, this variant has been classified as Pathogenic. This variant disrupts a region of the CNGB3 protein in which other variant(s) (Deletion (Exons 16-18)) have been determined to be pathogenic (Invitae). This suggests that this is a clinically significant region of the protein, and that variants that disrupt it are likely to be disease-causing. A similar copy number variant has been observed in individual(s) with achromatopsia (PMID: 28795510). This variant is a gross deletion of the genomic region encompassing exon(s) 14-18 of the CNGB3 gene, which includes the termination codon. This deletion extends beyond the assayed region for this gene and therefore may encompass additional genes. While this deletion is not anticipated to lead to nonsense mediated decay, it is expected to alter mRNA translation or result in a truncated protein product.

Literature cited by the submitters: PubMed 28795510.